The following is an entry in ClinVar:

NM_052947.4(ALPK2):c.3606A>T (p.Glu1202Asp)

Gene: ALPK2 (alpha kinase 2; minus strand). Cytogenetic location: 18q21.31.
Variant type: single nucleotide variant.
Coding change: c.3606A>T on transcript NM_052947.4 (MANE Select); coding-DNA position 3606, A replaced by T.
Protein change: p.Glu1202Asp; replaces glutamic acid 1202 with aspartic acid.
Molecular consequence: missense variant.
Genome position (GRCh38, 1-based): chr18:58,536,581, T>A on the plus strand (A>T on the coding strand, the complement: ALPK2 is on the minus strand). VCF-style: chr18-58536581-T-A. GRCh37 (hg19) VCF-style: chr18-56203813-T-A.
Other names: short protein forms E1202D.
Identifiers: ClinVar variation 3290086 (VCV003290086.1).

ClinVar aggregate classification (germline): Uncertain significance (1 of 4 stars; one submission).

Submission:

Ambry Genetics
Classification: Uncertain significance. Last evaluated: 2024-04-16. Review status: criteria provided, single submitter. Criteria: Ambry Variant Classification Scheme 2023. Collection method: clinical testing. Allele origin: germline.
Comment: The p.E1202D variant (also known as c.3606A>T), located in coding exon 4 of the ALPK2 gene, results from an A to T substitution at nucleotide position 3606. The glutamic acid at codon 1202 is replaced by aspartic acid, an amino acid with highly similar properties. This amino acid position is conserved. In addition, this alteration is predicted to be tolerated by in silico analysis. Based on the available evidence, the clinical significance of this variant remains unclear.